The following is an entry in ClinVar:

ClinVar aggregate classification (germline): Uncertain significance (1 of 4 stars; one submission).

Conditions:
Atrioventricular septal defect 5 (AVSD5). Identifiers: MedGen C3280939, MONDO:0013769, OMIM 614474.

gnomAD v4.1: 22 of 1,613,914 alleles (0.0014%); highest among the groups gnomAD compares: Admixed American, 0.0033%; no homozygotes.

Submission:

Labcorp Genetics (formerly Invitae), Labcorp
Classification: Uncertain significance for Atrioventricular septal defect 5. Last evaluated: 2025-09-20. Review status: criteria provided, single submitter. Criteria: Invitae Variant Classification Sherloc (09022015). Collection method: clinical testing. Allele origin: germline.
Comment: This sequence change replaces threonine, which is neutral and polar, with alanine, which is neutral and non-polar, at codon 519 of the GATA6 protein (p.Thr519Ala). This variant is present in population databases (rs780615005, gnomAD 0.003%). This variant has not been reported in the literature in individuals affected with GATA6-related conditions. Invitae Evidence Modeling of protein sequence and biophysical properties (such as structural, functional, and spatial information, amino acid conservation, physicochemical variation, residue mobility, and thermodynamic stability) indicates that this missense variant is not expected to disrupt GATA6 protein function with a negative predictive value of 80%. In summary, the available evidence is currently insufficient to determine the role of this variant in disease. Therefore, it has been classified as a Variant of Uncertain Significance.

NM_005257.6(GATA6):c.1555A>G (p.Thr519Ala)

Gene: GATA6 (GATA binding protein 6; plus strand). Cytogenetic location: 18q11.2.
Variant type: single nucleotide variant.
Coding change: c.1555A>G on transcript NM_005257.6 (MANE Select); coding-DNA position 1555, A replaced by G.
Protein change: p.Thr519Ala; replaces threonine 519 with alanine.
Molecular consequence: missense variant.
Genome position (GRCh38, 1-based): chr18:22,182,978, A>G. VCF-style: chr18-22182978-A-G. GRCh37 (hg19) VCF-style: chr18-19762939-A-G.
Other names: short protein forms T519A.
Identifiers: ClinVar variation 4747729 (VCV004747729.1).